The following is an entry in ClinVar:

ClinVar aggregate classification (germline): Pathogenic (1 of 4 stars; one submission).

Submission:

Labcorp Genetics (formerly Invitae), Labcorp
Classification: Pathogenic. Last evaluated: 2019-12-15. Review status: criteria provided, single submitter. Criteria: Invitae Variant Classification Sherloc (09022015). Collection method: clinical testing. Allele origin: germline.
Comment: This variant has been observed in individual(s) with clinical features of Sotos syndrome (Invitae). It has also been observed to segregate with disease in related individuals. This sequence change replaces cysteine with tyrosine at codon 2146 of the NSD1 protein (p.Cys2146Tyr). The cysteine residue is highly conserved and there is a large physicochemical difference between cysteine and tyrosine. This variant is not present in population databases (ExAC no frequency). Advanced modeling of protein sequence and biophysical properties (such as structural, functional, and spatial information, amino acid conservation, physicochemical variation, residue mobility, and thermodynamic stability) performed at Invitae indicates that this missense variant is expected to disrupt NSD1 protein function. This variant disrupts the p.Cys2146 amino acid residue in NSD1. Other variant(s) that disrupt this residue have been observed in individuals with NSD1-related conditions (PMID: 26690673, 28475857), which suggests that this may be a clinically significant amino acid residue. For these reasons, this variant has been classified as Pathogenic.

Literature cited by the submitters: PubMed 26690673; PubMed 28475857.

NM_022455.5(NSD1):c.6437G>A (p.Cys2146Tyr)

Gene: NSD1 (nuclear receptor binding SET domain protein 1; plus strand). Cytogenetic location: 5q35.3.
Variant type: single nucleotide variant.
Coding change: c.6437G>A on transcript NM_022455.5 (MANE Select); coding-DNA position 6437, G replaced by A.
Protein change: p.Cys2146Tyr; replaces cysteine 2146 with tyrosine.
Molecular consequence: missense variant.
Genome position (GRCh38, 1-based): chr5:177,292,132, G>A. VCF-style: chr5-177292132-G-A. GRCh37 (hg19) VCF-style: chr5-176719133-G-A.
Other names: c.5564G>A, p.Cys1855Tyr (NM_001365684.2, NM_172349.5, NM_001409308.1); c.6437G>A, p.Cys2146Tyr (NM_001409301.1, NM_001409302.1, NM_001409303.1); c.6017G>A, p.Cys2006Tyr (NM_001409304.1); c.5684G>A, p.Cys1895Tyr (NM_001409305.1); c.5675G>A, p.Cys1892Tyr (NM_001409306.1, NM_001409307.1); c.5315G>A, p.Cys1772Tyr (NM_001409309.1); short protein forms C2146Y, C1877Y, C1772Y, C1895Y, C2006Y, C1855Y, C1892Y.
Identifiers: ClinVar variation 524707 (VCV000524707.11), dbSNP rs1554206834, ClinGen allele CA362321047.